The following is an entry in ClinVar:

NM_002755.4(MAP2K1):c.840A>C (p.Glu280Asp)

Gene: MAP2K1 (mitogen-activated protein kinase kinase 1; plus strand). Cytogenetic location: 15q22.31.
Variant type: single nucleotide variant.
Coding change: c.840A>C on transcript NM_002755.4 (MANE Select); coding-DNA position 840, A replaced by C.
Protein change: p.Glu280Asp; replaces glutamic acid 280 with aspartic acid.
Molecular consequence: missense variant.
Genome position (GRCh38, 1-based): chr15:66,485,136, A>C. VCF-style: chr15-66485136-A-C. GRCh37 (hg19) VCF-style: chr15-66777474-A-C.
Other names: c.696A>C, p.Glu232Asp (NM_001411065.1); short protein forms E232D, E280D.
Identifiers: ClinVar variation 5000908 (VCV005000908.1).

ClinVar aggregate classification (germline): Uncertain significance (1 of 4 stars; one submission).

Conditions:
MAP2K1-related disorder. Also called: MAP2K1-related disorders; MAP2K1-related condition.

Submission:

PreventionGenetics, part of Exact Sciences
Classification: Uncertain significance for MAP2K1-related condition. Last evaluated: 2024-12-18. Review status: criteria provided, single submitter. Criteria: ACMG Guidelines, 2015. Collection method: clinical testing. Allele origin: germline.
Comment: The MAP2K1 c.840A>C variant is predicted to result in the amino acid substitution p.Glu280Asp. To our knowledge, this variant has not been reported in the literature or in a large population database (gnomAD), indicating this variant is rare. At this time, the clinical significance of this variant is uncertain due to the absence of conclusive functional and genetic evidence.